The following is an entry in ClinVar:

ClinVar aggregate classification (germline): Uncertain significance (1 of 4 stars; one submission).

Conditions:
Charcot-Marie-Tooth disease type 2. Also called: Charcot-Marie-Tooth type 2. Identifiers: Orphanet 64746, MedGen C0270914, MONDO:0018993.

Allele frequency attached by ClinVar (database versions not stated): TOPMed below 0.00001.

Submission:

Labcorp Genetics (formerly Invitae), Labcorp
Classification: Uncertain significance for Charcot-Marie-Tooth disease type 2. Last evaluated: 2020-02-17. Review status: criteria provided, single submitter. Criteria: Invitae Variant Classification Sherloc (09022015). Collection method: clinical testing. Allele origin: germline.
Comment: This sequence change replaces glycine with serine at codon 108 of the MED25 protein (p.Gly108Ser). The glycine residue is moderately conserved and there is a small physicochemical difference between glycine and serine. This variant is not present in population databases (ExAC no frequency). This variant has not been reported in the literature in individuals with MED25-related conditions. Algorithms developed to predict the effect of missense changes on protein structure and function are either unavailable or do not agree on the potential impact of this missense change (SIFT: "Tolerated"; PolyPhen-2: "Probably Damaging"; Align-GVGD: "Class C0"). In summary, the available evidence is currently insufficient to determine the role of this variant in disease. Therefore, it has been classified as a Variant of Uncertain Significance.

NM_030973.4(MED25):c.322G>A (p.Gly108Ser)

Gene: MED25 (mediator complex subunit 25; plus strand). Cytogenetic location: 19q13.33.
Variant type: single nucleotide variant.
Coding change: c.322G>A on transcript NM_030973.4 (MANE Select); coding-DNA position 322, G replaced by A.
Protein change: p.Gly108Ser; replaces glycine 108 with serine.
Molecular consequence: missense variant.
Genome position (GRCh38, 1-based): chr19:49,828,465, G>A. VCF-style: chr19-49828465-G-A. GRCh37 (hg19) VCF-style: chr19-50331722-G-A.
Other names: c.322G>A, p.Gly108Ser (NM_001378355.1); short protein forms G108S.
Identifiers: ClinVar variation 1051439 (VCV001051439.9), dbSNP rs2074030164, ClinGen allele CA406911940.
Genomic context (GRCh38, chr19:49,828,465, plus strand): 5'-GGGGATGATGGCAACCCTGGGGGCTGACCGCTCTGCCCCTGCAGGTTCATGGGCGGGGGT[G>A]GTGAGAGCTGCAGCCTCATCGCGGAAGGACTCAGCACAGCCTTGCAGCTGTTTGATGACT-3'
Protein context (NP_112235.2, residues 98-118): LDGIKFMGGG[Gly108Ser]ESCSLIAEGL